The following is an entry in ClinVar:

NM_032193.4(RNASEH2C):c.254T>G (p.Val85Gly)

Gene: RNASEH2C (ribonuclease H2 subunit C; minus strand). Cytogenetic location: 11q13.1.
Variant type: single nucleotide variant.
Coding change: c.254T>G on transcript NM_032193.4 (MANE Select); coding-DNA position 254, T replaced by G.
Protein change: p.Val85Gly; replaces valine 85 with glycine.
Molecular consequence: missense variant.
Genome position (GRCh38, 1-based): chr11:65,720,336, A>C on the plus strand (T>G on the coding strand, the complement: RNASEH2C is on the minus strand). VCF-style: chr11-65720336-A-C. GRCh37 (hg19) VCF-style: chr11-65487807-A-C.
Other names: short protein forms V85G.
Identifiers: ClinVar variation 2023053 (VCV002023053.4), dbSNP rs1590972817, ClinGen allele CA381298895.

ClinVar aggregate classification (germline): Uncertain significance (1 of 4 stars; one submission).

Conditions:
Aicardi-Goutieres syndrome 3. Identifiers: Orphanet 51, MedGen C1835916, MONDO:0012471, OMIM 610329.

Submission:

Labcorp Genetics (formerly Invitae), Labcorp
Classification: Uncertain significance for Aicardi-Goutieres syndrome 3. Last evaluated: 2021-12-01. Review status: criteria provided, single submitter. Criteria: Invitae Variant Classification Sherloc (09022015). Collection method: clinical testing. Allele origin: germline.
Comment: Algorithms developed to predict the effect of missense changes on protein structure and function are either unavailable or do not agree on the potential impact of this missense change (SIFT: "Tolerated"; PolyPhen-2: "Possibly Damaging"; Align-GVGD: "Class C0"). In summary, the available evidence is currently insufficient to determine the role of this variant in disease. Therefore, it has been classified as a Variant of Uncertain Significance. This variant is not present in population databases (gnomAD no frequency). This variant has not been reported in the literature in individuals affected with RNASEH2C-related conditions. This sequence change replaces valine, which is neutral and non-polar, with glycine, which is neutral and non-polar, at codon 85 of the RNASEH2C protein (p.Val85Gly).